The following is an entry in ClinVar:

NM_000136.3(FANCC):c.820T>A (p.Cys274Ser)

Genes: FANCC (FA complementation group C; minus strand), AOPEP (aminopeptidase O (putative); plus strand). Cytogenetic location: 9q22.32.
Variant type: single nucleotide variant.
Coding change: c.820T>A on transcript NM_000136.3 (MANE Select); coding-DNA position 820, T replaced by A.
Protein change: p.Cys274Ser; replaces cysteine 274 with serine.
Molecular consequence: missense variant.
Genome position (GRCh38, 1-based): chr9:95,135,369, A>T on the plus strand (T>A on the coding strand, the complement: FANCC is on the minus strand). VCF-style: chr9-95135369-A-T. GRCh37 (hg19) VCF-style: chr9-97897651-A-T.
Other names: c.820T>A, p.Cys274Ser (NM_001243743.2, NM_001243744.2); short protein forms C274S.
Identifiers: ClinVar variation 1040691 (VCV001040691.9), dbSNP rs1040503080, ClinGen allele CA196562479.
Genomic context (GRCh38, chr9:95,135,369, plus strand): 5'-TCAAGGATTTTTCCCTTCATCAAAACCCAGTACGTACCAGCGATGAATCTTTTATAAAGC[A>T]TTCGATCCTTCTCAGACAATTTCTCTCACTGGAGATTAGCTTTTCAAAAAGATGCAGCAT-3'
Protein context (NP_000127.2, residues 264-284): SERNCLRRIE[Cys274Ser]FIKDSSLPQA

ClinVar aggregate classification (germline): Uncertain significance. Review status: criteria provided, multiple submitters, no conflicts (2 of 4 stars). 2 submissions from 2 submitters: Uncertain significance (2). Last evaluated 2025-07-25.

Conditions:
Hereditary cancer-predisposing syndrome. Also called: Hereditary Cancer Syndrome; Tumor predisposition; Hereditary neoplastic syndrome; Neoplastic Syndromes, Hereditary. Identifiers: Orphanet 140162, MedGen C0027672, MeSH D009386, MONDO:0015356.
Fanconi anemia (FA). Also called: Fanconi's anemia. Identifiers: Orphanet 84, MedGen C0015625, MeSH D005199, MONDO:0019391.

Allele frequency attached by ClinVar (database versions not stated): TOPMed 0.00001.

Submissions (2):

Ambry Genetics
Classification: Uncertain significance for Hereditary cancer-predisposing syndrome. Last evaluated: 2025-07-25. Review status: criteria provided, single submitter. Criteria: Ambry Variant Classification Scheme 2023. Collection method: clinical testing. Allele origin: germline.
Comment: The p.C274S variant (also known as c.820T>A), located in coding exon 7 of the FANCC gene, results from a T to A substitution at nucleotide position 820. The cysteine at codon 274 is replaced by serine, an amino acid with dissimilar properties. This amino acid position is conserved. In addition, this alteration is predicted to be tolerated by in silico analysis. Since supporting evidence is limited at this time, the clinical significance of this alteration remains unclear.

Labcorp Genetics (formerly Invitae), Labcorp
Classification: Uncertain significance for Fanconi anemia. Last evaluated: 2021-09-01. Review status: criteria provided, single submitter. Criteria: Invitae Variant Classification Sherloc (09022015). Collection method: clinical testing. Allele origin: germline.
Comment: This sequence change replaces cysteine with serine at codon 274 of the FANCC protein (p.Cys274Ser). The cysteine residue is moderately conserved and there is a moderate physicochemical difference between cysteine and serine. This variant is not present in population databases (ExAC no frequency). This variant has not been reported in the literature in individuals affected with FANCC-related conditions. Algorithms developed to predict the effect of missense changes on protein structure and function are either unavailable or do not agree on the potential impact of this missense change (SIFT: "Tolerated"; PolyPhen-2: "Possibly Damaging"; Align-GVGD: "Class C0"). In summary, the available evidence is currently insufficient to determine the role of this variant in disease. Therefore, it has been classified as a Variant of Uncertain Significance.